The following is an entry in ClinVar:

NM_001350605.2(SRSF11):c.201G>A (p.Pro67=)

Gene: SRSF11 (serine and arginine rich splicing factor 11; plus strand). Cytogenetic location: 1p31.1.
Variant type: single nucleotide variant.
Coding change: c.201G>A on transcript NM_001350605.2 (MANE Select); coding-DNA position 201, G replaced by A.
Protein change: p.Pro67=; no amino-acid change (proline 67 retained).
Molecular consequence: synonymous variant. On other transcripts: 5 prime UTR variant (7), non-coding transcript variant (1).
Genome position (GRCh38, 1-based): chr1:70,221,837, G>A. VCF-style: chr1-70221837-G-A. GRCh37 (hg19) VCF-style: chr1-70687520-G-A.
Other names: NC_000001.10:g.70687520G>A; c.201G>A, p.Pro67= (NM_001190987.3, NM_001350606.2, NM_001350607.2 and 10 more transcripts); c.-487G>A (NM_001350610.2, NM_001350611.2, NM_001350613.2 and 1 more transcripts); c.-596G>A (NM_001350612.2, NM_001350614.2); c.-1329G>A (NM_001350615.2); c.201G>A (NM_001190987.1).
Identifiers: ClinVar variation 4464687 (VCV004464687.2).

ClinVar aggregate classification (germline): Likely benign (1 of 4 stars; one submission).

Conditions:
SRSF11-related disorder. Also called: SRSF11-related condition.

gnomAD v4.1: 67 of 1,613,788 alleles (0.0042%); highest among the groups gnomAD compares: Admixed American, 0.082%; no homozygotes.

Submissions (2):

PreventionGenetics, part of Exact Sciences
Classification: Likely benign for SRSF11-related condition. Last evaluated: 2026-03-26. Review status: criteria provided, single submitter. Criteria: ACMG Guidelines, 2015. Collection method: clinical testing. Allele origin: germline.
Comment: This variant is classified as likely benign based on ACMG/AMP sequence variant interpretation guidelines (Richards et al. 2015 PMID: 25741868, with internal and published modifications).

Dr. Peter K. Rogan Lab, Western University
No classification provided (evidence only). Condition: Familial cancer of breast. Review status: no classification provided. Collection method: in vitro. Allele origin: not applicable. Functional consequence: retained intron. Not counted in ClinVar's aggregate classification.